The following is an entry in ClinVar:

NM_015929.3(LIPT1):c.[131A>G];[875C>G]

Variant type: CompoundHeterozygote.
Identifiers: ClinVar variation 433560 (VCV000433560.3).

ClinVar aggregate classification (germline): Pathogenic (0 of 4 stars; one submission).

Conditions:
Lipoyl transferase 1 deficiency. Also called: Lipoyltransferase 1 deficiency. Identifiers: Orphanet 401862, MedGen C4225379, MONDO:0014576, OMIM 616299.

Submission:

Genetic and Metabolic Disease Program, Children's Medical Center Research Institute, UT Southwestern Medical Center at Dallas
Classification: Pathogenic for Lipoyl transferase 1 deficiency. Last evaluated: 2017-08-14. Review status: no assertion criteria provided. Collection method: clinical testing. Allele origin: inherited. Inheritance: Autosomal recessive inheritance. Affected: yes. Observed: 1 variant allele, 1 compound heterozygote.

Literature cited by the submitters: PubMed 31042466.